The following is an entry in ClinVar:

NM_001040462.3(BTNL8):c.184A>G (p.Ser62Gly)

Gene: BTNL8 (butyrophilin like 8; plus strand). Cytogenetic location: 5q35.3.
Variant type: single nucleotide variant.
Coding change: c.184A>G on transcript NM_001040462.3 (MANE Select); coding-DNA position 184, A replaced by G.
Protein change: p.Ser62Gly; replaces serine 62 with glycine.
Molecular consequence: missense variant. On other transcripts: intron variant (2).
Genome position (GRCh38, 1-based): chr5:180,908,720, A>G. VCF-style: chr5-180908720-A-G. GRCh37 (hg19) VCF-style: chr5-180335720-A-G.
Other names: c.184A>G, p.Ser62Gly (NM_001159708.2, NM_024850.3); c.23-2619A>G (NM_001159709.2); c.50-2619A>G (NM_001159707.2); short protein forms S62G.
Identifiers: ClinVar variation 4820731 (VCV004820731.4).

ClinVar aggregate classification (germline): Likely benign (1 of 4 stars; one submission).

gnomAD v4.1: 10,101 of 1,614,202 alleles (0.63%); highest among the groups gnomAD compares: Middle Eastern, 0.86%; 47 homozygotes.

Submission:

CeGaT Center for Human Genetics Tuebingen
Classification: Likely benign. Last evaluated: 2026-03-01. Review status: criteria provided, single submitter. Criteria: CeGaT Center For Human Genetics Tuebingen Variant Classification Criteria Version 2. Collection method: clinical testing. Allele origin: germline. Affected: yes. Observed: 1 variant allele.
Comment: BTNL8: BP4, BS2